The following is an entry in ClinVar:

NM_004407.4(DMP1):c.55-3T>G

Genes: DMP1 (dentin matrix acidic phosphoprotein 1; plus strand), DMP1-AS1 (DMP1 and DSPP antisense RNA 1; minus strand). Cytogenetic location: 4q22.1.
Variant type: single nucleotide variant.
Coding change: c.55-3T>G on transcript NM_004407.4 (MANE Select); 3 bases into the intron before coding-DNA position 55, T replaced by G.
Molecular consequence: intron variant.
Genome position (GRCh38, 1-based): chr4:87,657,029, T>G. VCF-style: chr4-87657029-T-G. GRCh37 (hg19) VCF-style: chr4-88578181-T-G.
Other names: c.55-3T>G (NM_001079911.3).
Identifiers: ClinVar variation 288212 (VCV000288212.17), dbSNP rs181490843, ClinGen allele CA3001926.

ClinVar aggregate classification (germline): Conflicting classifications of pathogenicity. Review status: criteria provided, conflicting classifications (1 of 4 stars). 6 submissions from 6 submitters: Uncertain significance (5); Likely benign (1). Last evaluated 2024-11-20.

Conditions:
Hypophosphatemic rickets, autosomal recessive, 1 (ARHR1). Also called: HYPOPHOSPHATEMIA, AUTOSOMAL RECESSIVE. Identifiers: Orphanet 289176, MedGen C4551495, MONDO:0009430, OMIM 241520. Disease mechanism: loss of function.

Allele frequency attached by ClinVar (database versions not stated): TOPMed 0.00019; 1000 Genomes Project 0.00020; ExAC 0.00022; gnomAD exomes 0.00024 and 0.00019; 1000 Genomes Project 30x 0.00031; ESP Exome Variant Server 0.00008; gnomAD 0.00019.
gnomAD v4.1: 298 of 1,534,784 alleles (0.019%); highest among the groups gnomAD compares: Middle Eastern, 0.97%; no homozygotes.

Submissions (6):

Blueprint Genetics
Classification: Likely benign. Last evaluated: 2024-11-20. Review status: criteria provided, single submitter. Criteria: ACMG Guidelines, 2015. Collection method: clinical testing. Allele origin: germline.

Fulgent Genetics
Classification: Uncertain significance for Hypophosphatemic rickets, autosomal recessive, 1. Last evaluated: 2024-02-13. Review status: criteria provided, single submitter. Criteria: ACMG Guidelines, 2015. Collection method: clinical testing. Allele origin: germline.

Labcorp Genetics (formerly Invitae), Labcorp
Classification: Uncertain significance. Last evaluated: 2022-08-19. Review status: criteria provided, single submitter. Criteria: Invitae Variant Classification Sherloc (09022015). Collection method: clinical testing. Allele origin: germline.
Comment: This sequence change falls in intron 2 of the DMP1 gene. It does not directly change the encoded amino acid sequence of the DMP1 protein. It affects a nucleotide within the consensus splice site. This variant is present in population databases (rs181490843, gnomAD 0.06%). This variant has not been reported in the literature in individuals affected with DMP1-related conditions. ClinVar contains an entry for this variant (Variation ID: 288212). Variants that disrupt the consensus splice site are a relatively common cause of aberrant splicing (PMID: 17576681, 9536098). Algorithms developed to predict the effect of sequence changes on RNA splicing suggest that this variant may disrupt the consensus splice site. In summary, the available evidence is currently insufficient to determine the role of this variant in disease. Therefore, it has been classified as a Variant of Uncertain Significance.

Eurofins Ntd Llc (ga)
Classification: Uncertain significance. Last evaluated: 2018-01-24. Review status: criteria provided, single submitter. Criteria: EGL Classification Definitions 2015. Collection method: clinical testing. Allele origin: germline. Observed: 5 variant alleles, 5 heterozygotes.

Illumina Laboratory Services, Illumina
Classification: Uncertain significance for Hypophosphatemic rickets, autosomal recessive, 1. Last evaluated: 2017-04-27. Review status: criteria provided, single submitter. Criteria: ICSL Variant Classification Criteria 13 December 2019. Collection method: clinical testing. Allele origin: germline.

Breakthrough Genomics
Classification: Uncertain significance. Review status: criteria provided, single submitter. Criteria: ACMG Guidelines, 2015. Collection method: not provided. Allele origin: germline. Inheritance: Autosomal recessive inheritance. Affected: yes.

Literature cited by the submitters: PubMed 17576681 (cited by Labcorp Genetics (formerly Invitae), Labcorp); PubMed 9536098 (cited by Labcorp Genetics (formerly Invitae), Labcorp).